The following is an entry in ClinVar:

NM_000551.4(VHL):c.41G>T (p.Gly14Val)

Gene: VHL (von Hippel-Lindau tumor suppressor; plus strand). Cytogenetic location: 3p25.3.
Variant type: single nucleotide variant.
Coding change: c.41G>T on transcript NM_000551.4 (MANE Select); coding-DNA position 41, G replaced by T.
Protein change: p.Gly14Val; replaces glycine 14 with valine.
Molecular consequence: missense variant. On other transcripts: non-coding transcript variant (1).
Genome position (GRCh38, 1-based): chr3:10,141,888, G>T. VCF-style: chr3-10141888-G-T. GRCh37 (hg19) VCF-style: chr3-10183572-G-T.
Other names: c.41G>T, p.Gly14Val (NM_001354723.2, NM_198156.3); short protein forms G14V.
Identifiers: ClinVar variation 4843189 (VCV004843189.1).

ClinVar aggregate classification (germline): Uncertain significance (1 of 4 stars; one submission).

Conditions:
Hereditary cancer-predisposing syndrome. Also called: Neoplastic Syndromes, Hereditary; Tumor predisposition; Hereditary Cancer Syndrome; Hereditary neoplastic syndrome. Identifiers: Orphanet 140162, MedGen C0027672, MeSH D009386, MONDO:0015356.

Submission:

Ambry Genetics
Classification: Uncertain significance for Hereditary cancer-predisposing syndrome. Last evaluated: 2025-12-18. Review status: criteria provided, single submitter. Criteria: Ambry Variant Classification Scheme 2023. Collection method: clinical testing. Allele origin: germline.
Comment: The p.G14V variant (also known as c.41G>T), located in coding exon 1 of the VHL gene, results from a G to T substitution at nucleotide position 41. The glycine at codon 14 is replaced by valine, an amino acid with dissimilar properties. This amino acid position is well conserved in available vertebrate species. In addition, the in silico prediction for this alteration is inconclusive. Based on the available evidence, the clinical significance of this variant remains unclear.